The following is an entry in ClinVar:

NM_006118.4(HAX1):c.130_131insA (p.Trp44Ter)

Gene: HAX1 (HCLS1 associated protein X-1; plus strand). Cytogenetic location: 1q21.3.
Variant type: Insertion.
Coding change: c.130_131insA on transcript NM_006118.4 (MANE Select); coding-DNA positions 130 to 131, A inserted.
Protein change: p.Trp44Ter; replaces tryptophan 44 with a stop codon.
Molecular consequence: nonsense. On other transcripts: intron variant (1).
Genome position: GRCh38 VCF-style: chr1-154273412-T-TA. GRCh37 (hg19) VCF-style: chr1-154245888-T-TA.
Other names: c.54-68_54-67insA (NM_001018837.2); short protein forms W44*.
Identifiers: ClinVar variation 4651 (VCV000004651.57), dbSNP rs1572018284, ClinGen allele CA913187424.

ClinVar aggregate classification (germline): Pathogenic. Review status: criteria provided, multiple submitters, no conflicts (2 of 4 stars). 13 submissions from 13 submitters: Pathogenic (12). 1 of the submissions does not count toward it. Last evaluated 2025-03-31.

Conditions:
Kostmann syndrome (SCN3). Also called: KOSTMANN DISEASE; Autosomal recessive severe congenital neutropenia type 3. Identifiers: Orphanet 99749, MedGen C5235141, MONDO:0012548, OMIM 610738.

Allele frequency attached by ClinVar (database versions not stated): gnomAD exomes below 0.00001.

Submissions (13):

Natera, Inc.
Classification: Pathogenic for Autosomal recessive severe congenital neutropenia type 3. Last evaluated: 2025-03-31. Review status: criteria provided, single submitter. Criteria: Natera Variant Classification Schema (03/2026). Collection method: clinical testing. Allele origin: germline.
Comment: The c.130_131insA variant in HAX1 is a frameshift variant predicted to shift the reading frame and introduce a stop codon. This variant is expected to result in nonsense mediated decay, truncation, or a dysfunctional protein product. This variant is rare in the general population with a frequency below the threshold expected for the associated phenotype(s). This variant has been observed in one or more individuals affected with the associated recessive disease, as either homozygous or compound heterozygous with a second variant (PMID: 17187068). Additionally, this variant has been observed to segregate in affected family members (PMID: 17187068). Given the available evidence, this variant is classified as Pathogenic.

Revvity Omics, Revvity
Classification: Pathogenic for Kostmann syndrome. Last evaluated: 2024-12-13. Review status: criteria provided, single submitter. Criteria: ACMG Guidelines, 2015. Collection method: clinical testing. Allele origin: germline.

GeneDx
Classification: Pathogenic. Last evaluated: 2024-05-29. Review status: criteria provided, single submitter. Criteria: GeneDx Variant Classification Process June 2021. Collection method: clinical testing. Allele origin: germline. Affected: yes.
Comment: Nonsense variant predicted to result in protein truncation or nonsense mediated decay in a gene for which loss of function is a known mechanism of disease; Not observed in large population cohorts (gnomAD); This variant is associated with the following publications: (PMID: 24341138, 20128427, 20402072, 17187068, 28681255, 28169428, 34426522, 32888943, 31321910, 30040071)

Fulgent Genetics
Classification: Pathogenic for Kostmann syndrome. Last evaluated: 2024-03-28. Review status: criteria provided, single submitter. Criteria: ACMG Guidelines, 2015. Collection method: clinical testing. Allele origin: germline.

Department of Human Genetics, Hannover Medical School
Classification: Pathogenic for Kostmann syndrome. Last evaluated: 2024-01-31. Review status: criteria provided, single submitter. Criteria: ACMG Guidelines, 2015. Collection method: clinical testing. Allele origin: germline. Affected: yes.

Clinical Genetics Laboratory, Skane University Hospital Lund
Classification: Pathogenic. Last evaluated: 2023-09-18. Review status: criteria provided, single submitter. Criteria: ACMG Guidelines, 2015. Collection method: clinical testing. Allele origin: germline. Affected: yes.

Institute of Human Genetics, Clinical Exome/Genome Diagnostics Group, University Hospital Bonn
Classification: Pathogenic for Kostmann syndrome. Last evaluated: 2022-06-03. Review status: criteria provided, single submitter. Criteria: ACMG Guidelines, 2015. Collection method: clinical testing. Allele origin: germline. Affected: yes.

3billion
Classification: Pathogenic for Kostmann syndrome. Last evaluated: 2022-01-03. Review status: criteria provided, single submitter. Criteria: ACMG Guidelines, 2015. Collection method: clinical testing. Allele origin: germline. Affected: yes. Observed: 1 homozygote.
Comment: Stop-gained (nonsense): predicted to result in a loss or disruption of normal protein function through nonsense-mediated decay (NMD) or protein truncation. Multiple pathogenic variants are reported downstream of the variant (PVS1_VS). The variant has been reported at least twice as pathogenic/likely pathogenic with clinical assertions and evidence for the classification (ClinVar ID: VCV000004651, PMID:17187068). It is not observed in the gnomAD v2.1.1 dataset (PM2_M). Therefore, this variant is classified as pathogenic according to the recommendation of ACMG/AMP guideline.

Genomics Facility, Ludwig-Maximilians-Universität München
Classification: Pathogenic for Kostmann syndrome. Last evaluated: 2021-12-28. Review status: criteria provided, single submitter. Criteria: ACMG Guidelines, 2015. Collection method: clinical testing. Allele origin: unknown. Inheritance: Autosomal recessive inheritance. Affected: yes.

Institute of Medical Genetics and Applied Genomics, University Hospital Tübingen
Classification: Pathogenic. Last evaluated: 2020-10-23. Review status: criteria provided, single submitter. Criteria: ACMG Guidelines, 2015. Collection method: clinical testing. Allele origin: germline. Inheritance: Autosomal recessive inheritance. Affected: yes.

CeGaT Center for Human Genetics Tuebingen
Classification: Pathogenic. Last evaluated: 2019-05-01. Review status: criteria provided, single submitter. Criteria: CeGaT Center For Human Genetics Tuebingen Variant Classification Criteria Version 2. Collection method: clinical testing. Allele origin: germline. Affected: yes. Observed: 2 variant alleles.

Clinical Genetics and Genomics, Karolinska University Hospital
Classification: Pathogenic. Last evaluated: 2016-05-12. Review status: criteria provided, single submitter. Criteria: ACMG Guidelines, 2015. Collection method: clinical testing. Allele origin: germline. Affected: yes. Observed: 10 variant alleles.

OMIM
Classification: Pathogenic for NEUTROPENIA, SEVERE CONGENITAL, 3, AUTOSOMAL RECESSIVE. Last evaluated: 2008-05-15. Review status: no assertion criteria provided. Collection method: literature only. Allele origin: germline. Not counted in ClinVar's aggregate classification.

Literature cited by the submitters: PubMed 17187068 (cited by 4 submitters); PubMed 18337561 (cited by OMIM); PubMed 39980410 (cited by OMIM).